The following is an entry in ClinVar:

ClinVar aggregate classification (germline): Likely benign. Review status: criteria provided, multiple submitters, no conflicts (2 of 4 stars). 2 submissions from 2 submitters: Likely benign (2). Last evaluated 2023-05-01.

Allele frequency attached by ClinVar (database versions not stated): gnomAD exomes below 0.00001; ExAC 0.00001; TOPMed 0.00001.
gnomAD v4.1: 6 of 1,612,724 alleles (0.00037%); highest among the groups gnomAD compares: Non-Finnish European, 0.00051%; no homozygotes.

Submissions (2):

CeGaT Center for Human Genetics Tuebingen
Classification: Likely benign. Last evaluated: 2023-05-01. Review status: criteria provided, single submitter. Criteria: CeGaT Center For Human Genetics Tuebingen Variant Classification Criteria Version 2. Collection method: clinical testing. Allele origin: germline. Affected: yes. Observed: 1 variant allele.
Comment: ATP1A1: BP4, BP7

Labcorp Genetics (formerly Invitae), Labcorp
Classification: Likely benign. Last evaluated: 2022-09-14. Review status: criteria provided, single submitter. Criteria: Invitae Variant Classification Sherloc (09022015). Collection method: clinical testing. Allele origin: germline.

NM_000701.8(ATP1A1):c.1350T>C (p.Asp450=)

Genes: ATP1A1 (ATPase Na+/K+ transporting subunit alpha 1; plus strand), ATP1A1-AS1 (ATP1A1 antisense RNA 1; minus strand). Cytogenetic location: 1p13.1.
Variant type: single nucleotide variant.
Coding change: c.1350T>C on transcript NM_000701.8 (MANE Select); coding-DNA position 1350, T replaced by C.
Protein change: p.Asp450=; no amino-acid change (aspartic acid 450 retained).
Molecular consequence: synonymous variant. On other transcripts: non-coding transcript variant (1).
Genome position (GRCh38, 1-based): chr1:116,392,871, T>C. VCF-style: chr1-116392871-T-C. GRCh37 (hg19) VCF-style: chr1-116935493-T-C.
Other names: c.1350T>C, p.Asp450= (NM_001160233.2); c.1257T>C, p.Asp419= (NM_001160234.2).
Identifiers: ClinVar variation 1912842 (VCV001912842.29), dbSNP rs753883641, ClinGen allele CA1025294.